The following is an entry in ClinVar:

NM_001164462.2(MUC12):c.856G>C (p.Asp286His)

Gene: MUC12 (mucin 12, cell surface associated; plus strand). Cytogenetic location: 7q22.1.
Variant type: single nucleotide variant.
Coding change: c.856G>C on transcript NM_001164462.2 (MANE Select); coding-DNA position 856, G replaced by C.
Protein change: p.Asp286His; replaces aspartic acid 286 with histidine.
Molecular consequence: missense variant.
Genome position (GRCh38, 1-based): chr7:100,991,419, G>C. VCF-style: chr7-100991419-G-C. GRCh37 (hg19) VCF-style: chr7-100634700-G-C.
Other names: short protein forms D286H.
Identifiers: ClinVar variation 4083589 (VCV004083589.8).

ClinVar aggregate classification (germline): Likely benign (1 of 4 stars; one submission).

gnomAD v4.1: 7,782 of 1,537,752 alleles (0.51%); highest among the groups gnomAD compares: Non-Finnish European, 0.58%; 32 homozygotes.

Submission:

CeGaT Center for Human Genetics Tuebingen
Classification: Likely benign. Last evaluated: 2025-11-01. Review status: criteria provided, single submitter. Criteria: CeGaT Center For Human Genetics Tuebingen Variant Classification Criteria Version 2. Collection method: clinical testing. Allele origin: germline. Affected: yes. Observed: 2 variant alleles.
Comment: MUC12: BS2